The following is an entry in ClinVar:

ClinVar aggregate classification (germline): Uncertain significance. Review status: criteria provided, multiple submitters, no conflicts (2 of 4 stars). 2 submissions from 2 submitters: Uncertain significance (2). Last evaluated 2024-02-19.

Conditions:
Cardiovascular phenotype. Identifiers: MedGen CN230736.

gnomAD v4.1: 1 of 1,550,400 alleles (0.000064%); highest among the groups gnomAD compares: African/African-American, 0.0014%; no homozygotes.

Submissions (2):

Labcorp Genetics (formerly Invitae), Labcorp
Classification: Uncertain significance. Last evaluated: 2024-02-19. Review status: criteria provided, single submitter. Criteria: Invitae Variant Classification Sherloc (09022015). Collection method: clinical testing. Allele origin: germline.
Comment: This sequence change replaces valine, which is neutral and non-polar, with methionine, which is neutral and non-polar, at codon 1979 of the ZNF469 protein (p.Val1979Met). This variant is not present in population databases (gnomAD no frequency). This variant has not been reported in the literature in individuals affected with ZNF469-related conditions. ClinVar contains an entry for this variant (Variation ID: 1750593). An algorithm developed to predict the effect of missense changes on protein structure and function (PolyPhen-2) suggests that this variant is likely to be tolerated. In summary, the available evidence is currently insufficient to determine the role of this variant in disease. Therefore, it has been classified as a Variant of Uncertain Significance.

Ambry Genetics
Classification: Uncertain significance for Cardiovascular phenotype. Last evaluated: 2021-08-05. Review status: criteria provided, single submitter. Criteria: Ambry Variant Classification Scheme 2023. Collection method: clinical testing. Allele origin: germline.
Comment: The p.V1979M variant (also known as c.5935G>A), located in coding exon 2 of the ZNF469 gene, results from a G to A substitution at nucleotide position 5935. The valine at codon 1979 is replaced by methionine, an amino acid with highly similar properties. This amino acid position is conserved. In addition, this alteration is predicted to be tolerated by in silico analysis. Since supporting evidence is limited at this time, the clinical significance of this alteration remains unclear.

NM_001367624.2(ZNF469):c.6019G>A (p.Val2007Met)

Gene: ZNF469 (zinc finger protein 469; plus strand). Cytogenetic location: 16q24.2.
Variant type: single nucleotide variant.
Coding change: c.6019G>A on transcript NM_001367624.2 (MANE Select); coding-DNA position 6019, G replaced by A.
Protein change: p.Val2007Met; replaces valine 2007 with methionine.
Molecular consequence: missense variant.
Genome position (GRCh38, 1-based): chr16:88,433,489, G>A. VCF-style: chr16-88433489-G-A. GRCh37 (hg19) VCF-style: chr16-88499897-G-A.
Other names: NM_001127464.1:c.5935G>A; short protein forms V2007M.
Identifiers: ClinVar variation 1750593 (VCV001750593.6), dbSNP rs970916190, ClinGen allele CA286381124.
Genomic context (GRCh38, chr16:88,433,489, plus strand): 5'-GGCCAAGCCGAGAAAACCCAGGGCCAAGGCACAGCCAACCAGCTTCAGCCAGAGAACGGG[G>A]TGAGCCCAGGGGGCACGGACAACCACGCCTCAGTCAATGCCAGTCCCAAAACAGCGCTGA-3'
Protein context (NP_001354553.1, residues 1997-2017): TANQLQPENG[Val2007Met]SPGGTDNHAS